The following is an entry in ClinVar:

NM_003924.4(PHOX2B):c.702_714dup (p.Gly239fs)

Gene: PHOX2B (paired like homeobox 2B; minus strand). Cytogenetic location: 4p13.
Variant type: Duplication.
Coding change: c.702_714dup on transcript NM_003924.4 (MANE Select); coding-DNA positions 702 to 714, 13 bases duplicated (CGAACCCGGCAAG).
Protein change: p.Gly239fs; shifts the reading frame from glycine 239.
Molecular consequence: frameshift variant.
Genome position (GRCh38, 1-based): chr4:41,746,038-41,746,050, CTTGCCGGGTTCG duplicated on the plus strand (CGAACCCGGCAAG on the coding strand, the reverse complement: PHOX2B is on the minus strand); duplicating any 13 consecutive bases within chr4:41,746,038-41,746,051 gives the same sequence; the c. name uses the placement nearest the transcript's 3' end. VCF-style (leftmost placement, unchanged base first): chr4-41746037-C-CCTTGCCGGGTTCG. GRCh37 (hg19) VCF-style: chr4-41748054-C-CCTTGCCGGGTTCG.
Other names: c.702_714dupCGAACCCGGCAAG (NM_003924.3); short protein forms G239fs.
Identifiers: ClinVar variation 1756725 (VCV001756725.2), dbSNP rs2552096829, ClinGen allele CA645526520.

ClinVar aggregate classification (germline): Pathogenic (1 of 4 stars; one submission).

Conditions:
Hereditary cancer-predisposing syndrome. Also called: Neoplastic Syndromes, Hereditary; Tumor predisposition; Hereditary Cancer Syndrome; Hereditary neoplastic syndrome. Identifiers: Orphanet 140162, MedGen C0027672, MeSH D009386, MONDO:0015356.

Submission:

Ambry Genetics
Classification: Pathogenic for Hereditary cancer-predisposing syndrome. Last evaluated: 2017-08-15. Review status: criteria provided, single submitter. Criteria: Ambry Variant Classification Scheme 2023. Collection method: clinical testing. Allele origin: germline.
Comment: The c.702_714dup13 mutation, located in coding exon 3 of the PHOX2B gene, results from a duplication of CGAACCCGGCAAG at nucleotide position 702, causing a translational frameshift with a predicted alternate stop codon (p.G239Rfs*125). Frameshifts are typically deleterious in nature, however, this frameshift occurs at the 3' terminus of PHOX2B, is not expected to trigger nonsense-mediated mRNA decay, and results in the elongation of the protein by 49 amino acids. This frameshift is predicted to disrupt approximately 25% of the protein. In addition, there are many other PHOX2B mutations reported downstream of this variant (Trochet D et al. Am. J. Hum. Genet. 2005 Mar;76(3):421-6; Parodi S et al. Hum. Genet. 2008 Jan;29(1):206). Based on the supporting evidence, this alteration is interpreted as a disease-causing mutation.

Literature cited by the submitters: PubMed 15657873; PubMed 18157832.